The following is an entry in ClinVar:

ClinVar aggregate classification (germline): Uncertain significance (1 of 4 stars; one submission).

Conditions:
Pyridoxine-dependent epilepsy (EPEO4). Also called: Pyridoxine-Dependent Epilepsy - ALDH7A1; EPILEPSY, EARLY-ONSET, 4, VITAMIN B6-DEPENDENT; PYRIDOXINE DEPENDENCY WITH SEIZURES; Pyridoxine-Dependent Seizures. Identifiers: Orphanet 3006, MedGen C1849508, MONDO:0009945, OMIM 266100. Disease mechanism: loss of function.

Submission:

Labcorp Genetics (formerly Invitae), Labcorp
Classification: Uncertain significance for Pyridoxine-dependent epilepsy. Last evaluated: 2021-09-02. Review status: criteria provided, single submitter. Criteria: Invitae Variant Classification Sherloc (09022015). Collection method: clinical testing. Allele origin: germline.
Comment: This sequence change replaces alanine with threonine at codon 83 of the ALDH7A1 protein (p.Ala83Thr). The alanine residue is moderately conserved and there is a small physicochemical difference between alanine and threonine. This variant is not present in population databases (ExAC no frequency). This variant has not been reported in the literature in individuals affected with ALDH7A1-related conditions. Algorithms developed to predict the effect of missense changes on protein structure and function are either unavailable or do not agree on the potential impact of this missense change (SIFT: "Deleterious"; PolyPhen-2: "Probably Damaging"; Align-GVGD: "Class C0"). Algorithms developed to predict the effect of sequence changes on RNA splicing suggest that this variant may disrupt the consensus splice site. In summary, the available evidence is currently insufficient to determine the role of this variant in disease. Therefore, it has been classified as a Variant of Uncertain Significance.

NM_001182.5(ALDH7A1):c.247G>A (p.Ala83Thr)

Gene: ALDH7A1 (aldehyde dehydrogenase 7 family member A1; minus strand). Cytogenetic location: 5q23.2.
Variant type: single nucleotide variant.
Coding change: c.247G>A on transcript NM_001182.5 (MANE Select); coding-DNA position 247, G replaced by A.
Protein change: p.Ala83Thr; replaces alanine 83 with threonine.
Molecular consequence: missense variant.
Genome position (GRCh38, 1-based): chr5:126,592,729, C>T on the plus strand (G>A on the coding strand, the complement: ALDH7A1 is on the minus strand). VCF-style: chr5-126592729-C-T. GRCh37 (hg19) VCF-style: chr5-125928421-C-T.
Other names: c.163G>A, p.Ala55Thr (NM_001201377.2); c.247G>A, p.Ala83Thr (NM_001202404.2); short protein forms A83T, A55T.
Identifiers: ClinVar variation 580179 (VCV000580179.6), dbSNP rs1561672611, ClinGen allele CA360733212.